The following is an entry in ClinVar:

ClinVar aggregate classification (germline): Pathogenic (1 of 4 stars; one submission).

Conditions:
Marfan syndrome (MFS). Also called: MARFAN SYNDROME, TYPE I; Marfan syndrome type 1; Marfan's syndrome; Marfan syndrome, classic; FBN1-Related Marfan Syndrome. Identifiers: Orphanet 284963, Orphanet 558, MedGen C0024796, MONDO:0007947, OMIM 154700.
Familial thoracic aortic aneurysm and aortic dissection (TAAD). Also called: Thoracic aortic aneurysms and dissections. Identifiers: Orphanet 91387, MedGen C4707243, MONDO:0019625.

Submission:

Labcorp Genetics (formerly Invitae), Labcorp
Classification: Pathogenic for Marfan syndrome; Familial thoracic aortic aneurysm and aortic dissection. Last evaluated: 2023-03-03. Review status: criteria provided, single submitter. Criteria: Invitae Variant Classification Sherloc (09022015). Collection method: clinical testing. Allele origin: germline.
Comment: This sequence change creates a premature translational stop signal (p.Phe2766Serfs*13) in the FBN1 gene. While this is not anticipated to result in nonsense mediated decay, it is expected to disrupt the last 106 amino acid(s) of the FBN1 protein. This variant is not present in population databases (gnomAD no frequency). For these reasons, this variant has been classified as Pathogenic. This variant disrupts a region of the FBN1 protein in which other variant(s) (p.Leu2842Profs*7) have been determined to be pathogenic (PMID: 10756346, 19618372, 27611364; Invitae). This suggests that this is a clinically significant region of the protein, and that variants that disrupt it are likely to be disease-causing. This variant has not been reported in the literature in individuals affected with FBN1-related conditions.

Literature cited by the submitters: PubMed 10756346; PubMed 19618372; PubMed 27611364.

NM_000138.5(FBN1):c.8297del (p.Phe2766fs)

Gene: FBN1 (fibrillin 1; minus strand). Cytogenetic location: 15q21.1.
Variant type: Deletion.
Coding change: c.8297del on transcript NM_000138.5 (MANE Select); coding-DNA position 8297, one base deleted (T; older notation c.8297delT).
Protein change: p.Phe2766fs; shifts the reading frame from phenylalanine 2766.
Molecular consequence: frameshift variant.
Genome position (GRCh38, 1-based): chr15:48,411,309, A deleted on the plus strand (T on the coding strand, the reverse complement: FBN1 is on the minus strand); the first of 3 consecutive A bases (chr15:48,411,309-48,411,311); deleting any one gives the same sequence. VCF-style (leftmost placement, unchanged base first): chr15-48411308-GA-G. GRCh37 (hg19) VCF-style: chr15-48703505-GA-G.
Other names: c.8297del, p.Phe2766fs (NM_001406716.1); short protein forms F2766fs.
Identifiers: ClinVar variation 2944944 (VCV002944944.3), dbSNP rs2505371597, ClinGen allele CA2740096558.